The following is an entry in ClinVar:

NM_018486.3(HDAC8):c.596C>T (p.Ser199Phe)

Gene: HDAC8 (histone deacetylase 8; minus strand). Cytogenetic location: Xq13.1.
Variant type: single nucleotide variant.
Coding change: c.596C>T on transcript NM_018486.3 (MANE Select); coding-DNA position 596, C replaced by T.
Protein change: p.Ser199Phe; replaces serine 199 with phenylalanine.
Molecular consequence: missense variant. On other transcripts: non-coding transcript variant (1), intron variant (3).
Genome position (GRCh38, 1-based): chrX:72,490,961, G>A on the plus strand (C>T on the coding strand, the complement: HDAC8 is on the minus strand). VCF-style: chrX-72490961-G-A. GRCh37 (hg19) VCF-style: chrX-71710811-G-A.
Other names: c.323C>T, p.Ser108Phe (NM_001166418.2, NM_001410728.1); c.596C>T, p.Ser199Phe (NM_001166419.2, NM_001410725.1, NM_001410729.1); c.551-1920C>T (NM_001410727.1, NM_001410730.1); c.278-1920C>T (NM_001166448.2); short protein forms S108F, S199F.
Identifiers: ClinVar variation 3382667 (VCV003382667.2).

ClinVar aggregate classification (germline): Likely pathogenic (1 of 4 stars; one submission).

Conditions:
Cornelia de Lange syndrome 5 (CDLS5). Also called: HDAC8-Related Cornelia de Lange Syndrome. Identifiers: Orphanet 199, MedGen C3550903, MONDO:0010471, OMIM 300882.

Submission:

Juno Genomics, Hangzhou Juno Genomics, Inc
Classification: Likely pathogenic for Cornelia de Lange syndrome 5. Review status: criteria provided, single submitter. Criteria: ACMG Guidelines, 2015. Collection method: clinical testing. Allele origin: germline. Affected: yes.
Comment: Absent from controls (or at extremely low frequency if recessive) in Genome Aggregation Database, Exome Sequencing Project, 1000 Genomes Project, or Exome Aggregation Consortium.;Multiple lines of computational evidence support a deleterious effect on the gene or gene product (conservation, evolutionary, splicing impact, etc).;De novo (both maternity and paternity confirmed) in a patient with the disease and no family history.;Patient's phenotype or family history is highly specific for a disease with a single genetic etiology.